The following is an entry in ClinVar:

ClinVar aggregate classification (germline): Benign. Review status: criteria provided, multiple submitters, no conflicts (2 of 4 stars). 4 submissions from 4 submitters: Benign (3). 1 of the submissions does not count toward it. Last evaluated 2018-01-12.

Conditions:
AMPD3-related disorder. Also called: AMPD3-related condition.
Erythrocyte AMP deaminase deficiency. Identifiers: Orphanet 45, MedGen C2752073, OMIM 612874, MONDO:0020734.

Allele frequency attached by ClinVar (database versions not stated): gnomAD exomes 0.09180; ExAC 0.09652; 1000 Genomes Project 0.13119; 1000 Genomes Project 30x 0.13351; gnomAD 0.13890 and 0.14463; TOPMed 0.14662; ESP Exome Variant Server 0.15450.
gnomAD v4.1: 152,969 of 1,612,012 alleles (9.5%); highest among the groups gnomAD compares: African/African-American, 28%; 8,937 homozygotes.

Submissions (4):

Illumina Laboratory Services, Illumina
Classification: Benign for Erythrocyte AMP deaminase deficiency. Last evaluated: 2018-01-12. Review status: criteria provided, single submitter. Criteria: ICSL Variant Classification Criteria 13 December 2019. Collection method: clinical testing. Allele origin: germline.
Comment: This variant was observed in the ICSL laboratory as part of a predisposition screen in an ostensibly healthy population. It had not been previously curated by ICSL or reported in the Human Gene Mutation Database (HGMD: prior to June 1st, 2018), and was therefore a candidate for classification through an automated scoring system. Utilizing variant allele frequency, disease prevalence and penetrance estimates, and inheritance mode, an automated score was calculated to assess if this variant is too frequent to cause the disease. Based on the score and internal cut-off values, a variant classified as benign is not then subjected to further curation. The score for this variant resulted in a classification of benign for this disease.

Eurofins Ntd Llc (ga)
Classification: Benign. Last evaluated: 2013-11-20. Review status: criteria provided, single submitter. Criteria: EGL Classification Definitions 2015. Collection method: clinical testing. Allele origin: germline. Observed: 2 variant alleles, 2 heterozygotes.

Breakthrough Genomics
Classification: Benign. Review status: criteria provided, single submitter. Criteria: ACMG Guidelines, 2015. Collection method: not provided. Allele origin: germline. Inheritance: Autosomal recessive inheritance. Affected: yes.

PreventionGenetics, part of Exact Sciences
Classification: Benign for AMPD3-related condition. Last evaluated: 2019-11-11. Review status: no assertion criteria provided. Collection method: clinical testing. Allele origin: germline. Not counted in ClinVar's aggregate classification.
Comment: This variant is classified as benign based on ACMG/AMP sequence variant interpretation guidelines (Richards et al. 2015 PMID: 25741868, with internal and published modifications).

NM_001025389.2(AMPD3):c.573G>A (p.Pro191=)

Gene: AMPD3 (adenosine monophosphate deaminase 3; plus strand). Cytogenetic location: 11p15.4.
Variant type: single nucleotide variant.
Coding change: c.573G>A on transcript NM_001025389.2 (MANE Select); coding-DNA position 573, G replaced by A.
Protein change: p.Pro191=; no amino-acid change (proline 191 retained).
Molecular consequence: synonymous variant.
Genome position (GRCh38, 1-based): chr11:10,482,209, G>A. VCF-style: chr11-10482209-G-A. GRCh37 (hg19) VCF-style: chr11-10503756-G-A.
Other names: c.600G>A, p.Pro200= (NM_000480.3); c.594G>A, p.Pro198= (NM_001025390.2); c.573G>A, p.Pro191= (NM_001172430.1); c.96G>A, p.Pro32= (NM_001172431.2).
Identifiers: ClinVar variation 93471 (VCV000093471.12), dbSNP rs16907852, ClinGen allele CA146994.
Genomic context (GRCh38, chr11:10,482,209, plus strand): 5'-CCGCTTCCCGCGGATCACATCCCAGTACCTGGGTCATCCGCGGGCGGATACTGCACCTCC[G>A]GAAGAGGGCCTTCCAGGTATGGAGCTCTGGCTGGAGGTTGGGTCCCAAGTGTGGGCAGAC-3'
Protein context (NP_001020560.1, residues 181-201): LGHPRADTAP[Pro191=]EEGLPDFHPP